The following is an entry in ClinVar:

NM_000441.2(SLC26A4):c.991_1001+7delinsCCCCA

Gene: SLC26A4 (solute carrier family 26 member 4; plus strand). Cytogenetic location: 7q22.3.
Variant type: Indel.
Coding change: c.991_1001+7delinsCCCCA on transcript NM_000441.2 (MANE Select); coding-DNA position 991 through 7 bases into the intron after coding-DNA position 1001, ATCCCAAGGGGGTGAGTG replaced by CCCCA.
Molecular consequence: splice donor variant.
Genome position (GRCh38, 1-based): chr7:107,683,527-107,683,544, ATCCCAAGGGGGTGAGTG replaced by CCCCA. VCF-style: chr7-107683527-ATCCCAAGGGGGTGAGTG-CCCCA. GRCh37 (hg19) VCF-style: chr7-107323972-ATCCCAAGGGGGTGAGTG-CCCCA.
Other names: c.991_1001+7delinsCCCCA (NM_000441.1).
Identifiers: ClinVar variation 3594208 (VCV003594208.3).
Genomic context (GRCh38, chr7:107,683,527, plus strand): 5'-ACTGCCATTTCATATGGAGCCAACCTGGAAAAAAATTACAATGCTGGCATTGTTAAATCC[ATCCCAAGGGGGTGAGTG>CCCCA]TGGTGTTCCTCTTAGTACTAATACATTAAGTCAGTAAGTCAGTCTTTTTTATTTAAATAA-3'

ClinVar aggregate classification (germline): Pathogenic/Likely pathogenic. Review status: criteria provided, multiple submitters, no conflicts (2 of 4 stars). 3 submissions from 3 submitters: Pathogenic (1); Likely pathogenic (2). Last evaluated 2026-06-08.

Conditions:
Pendred syndrome (PDS). Also called: Pendred's syndrome; Pendred Syndrome (PDS); DEAFNESS WITH GOITER; GOITER-DEAFNESS SYNDROME; HYPOTHYROIDISM, CONGENITAL, DUE TO DYSHORMONOGENESIS, 2B; THYROID DYSHORMONOGENESIS 2B. Identifiers: Orphanet 705, MedGen C0271829, MONDO:0010134, OMIM 274600.
Autosomal recessive nonsyndromic hearing loss 4 (DFNB4). Also called: FOXI1-Related Pendred Syndrome; KCNJ10-Related Pendred Syndrome; DEAFNESS, AUTOSOMAL RECESSIVE 4, WITH ENLARGED VESTIBULAR AQUEDUCT, DIGENIC; Deafness, autosomal recessive 4, with enlarged vestibular aqueduct; Enlarged vestibular aqueduct, digenic; Nonsyndromic enlarged vestibular aqueduct (NSEVA). Identifiers: Orphanet 90636, MedGen C3538946, MONDO:0010933, OMIM 600791.

Submissions (3):

Myriad Genetics, Inc.
Classification: Likely pathogenic for Pendred syndrome. Last evaluated: 2026-06-08. Review status: criteria provided, single submitter. Criteria: Myriad Autosomal Dominant, Autosomal Recessive and X-Linked Classification Criteria (2023). Collection method: clinical testing. Allele origin: unknown.
Comment: NM_000441.1(SLC26A4):c.991_1001+7del18ins5 is a variant in a canonical splice site classified as likely pathogenic in the context of Pendred syndrome. c.991_1001+7del18ins5 has not been observed in cases with relevant disease. Relevant functional assessments of this variant are not available in the literature. c.991_1001+7del18ins5 has not been observed in referenced population frequency databases. In summary, NM_000441.1(SLC26A4):c.991_1001+7del18ins5 is a variant in a canonical splice site in a gene where loss of function is a known mechanism of disease and is predicted to disrupt protein function. Please note: this variant was assessed in the context of healthy population screening.

Natera, Inc.
Classification: Pathogenic for Pendred syndrome. Last evaluated: 2026-01-13. Review status: criteria provided, single submitter. Criteria: Natera Variant Classification Schema (03/2026). Collection method: clinical testing. Allele origin: germline.
Comment: The c.991_1001+7delinsCCCCA variant in SLC26A4 is a deletion-insertion (delins) variant predicted to replace one or more nucleotides with a different sequence. This variant is expected to result in nonsense mediated decay, truncation, or a dysfunctional protein product. This variant is rare in the general population with a frequency below the threshold expected for the associated phenotype(s). Another variant at this same site results in an alteration predicted to cause a similar molecular effect has been observed in individual(s) with the associated phenotype. Given the available evidence, this variant is classified as Pathogenic.

Fulgent Genetics
Classification: Likely pathogenic for Pendred syndrome; Autosomal recessive nonsyndromic hearing loss 4. Last evaluated: 2024-06-13. Review status: criteria provided, single submitter. Criteria: ACMG Guidelines, 2015. Collection method: clinical testing. Allele origin: germline.